The following is an entry in ClinVar:

NM_000387.6(SLC25A20):c.772C>T (p.Arg258Trp)

Gene: SLC25A20 (solute carrier family 25 member 20; minus strand). Cytogenetic location: 3p21.31.
Variant type: single nucleotide variant.
Coding change: c.772C>T on transcript NM_000387.6 (MANE Select); coding-DNA position 772, C replaced by T.
Protein change: p.Arg258Trp; replaces arginine 258 with tryptophan.
Molecular consequence: missense variant.
Genome position (GRCh38, 1-based): chr3:48,858,578, G>A on the plus strand (C>T on the coding strand, the complement: SLC25A20 is on the minus strand). VCF-style: chr3-48858578-G-A. GRCh37 (hg19) VCF-style: chr3-48896011-G-A.
Other names: c.772C>T (NM_000387.5); short protein forms R258W.
Identifiers: ClinVar variation 2047973 (VCV002047973.2), dbSNP rs758619072, ClinGen allele CA2387293.
Genomic context (GRCh38, chr3:48,858,578, plus strand): 5'-GGAAGGCTCGGATCATCACTGCATTGAACCCTTTGTACAAGGATGTGACTCCTTCATCCC[G>A]GATCAGCTCCCTCAGCACATCTCTGAAACCATTAGGATATTTCCCAGGAGGTGCTGTGGG-3'
Protein context (NP_000378.1, residues 248-268): GFRDVLRELI[Arg258Trp]DEGVTSLYKG

ClinVar aggregate classification (germline): Uncertain significance. Review status: criteria provided, multiple submitters, no conflicts (2 of 4 stars). 2 submissions from 2 submitters: Uncertain significance (2). Last evaluated 2025-12-08.

Conditions:
Carnitine acylcarnitine translocase deficiency (CACTD). Identifiers: Orphanet 159, MedGen C0342791, MONDO:0008918, OMIM 212138.
Inborn genetic diseases. Identifiers: MedGen C0950123, MeSH D030342.

Allele frequency attached by ClinVar (database versions not stated): gnomAD 0.00001; TOPMed 0.00001; gnomAD exomes 0.00002; ExAC 0.00003.
gnomAD v4.1: 29 of 1,614,150 alleles (0.0018%); highest among the groups gnomAD compares: South Asian, 0.022%; no homozygotes.

Submissions (2):

Ambry Genetics
Classification: Uncertain significance for Inborn genetic diseases. Last evaluated: 2025-12-08. Review status: criteria provided, single submitter. Criteria: Ambry Variant Classification Scheme 2023. Collection method: clinical testing. Allele origin: germline.

Labcorp Genetics (formerly Invitae), Labcorp
Classification: Uncertain significance for Carnitine acylcarnitine translocase deficiency. Last evaluated: 2022-07-03. Review status: criteria provided, single submitter. Criteria: Invitae Variant Classification Sherloc (09022015). Collection method: clinical testing. Allele origin: germline.
Comment: This sequence change replaces arginine, which is basic and polar, with tryptophan, which is neutral and slightly polar, at codon 258 of the SLC25A20 protein (p.Arg258Trp). This variant is present in population databases (rs758619072, gnomAD 0.02%). This variant has not been reported in the literature in individuals affected with SLC25A20-related conditions. Algorithms developed to predict the effect of missense changes on protein structure and function are either unavailable or do not agree on the potential impact of this missense change (SIFT: "Deleterious"; PolyPhen-2: "Benign"; Align-GVGD: "Class C0"). In summary, the available evidence is currently insufficient to determine the role of this variant in disease. Therefore, it has been classified as a Variant of Uncertain Significance.